The following is an entry in ClinVar:

NM_006727.5(CDH10):c.1394A>G (p.Asn465Ser)

Gene: CDH10 (cadherin 10; minus strand). Cytogenetic location: 5p14.2.
Variant type: single nucleotide variant.
Coding change: c.1394A>G on transcript NM_006727.5 (MANE Select); coding-DNA position 1394, A replaced by G.
Protein change: p.Asn465Ser; replaces asparagine 465 with serine.
Molecular consequence: missense variant. On other transcripts: 5 prime UTR variant (1).
Genome position (GRCh38, 1-based): chr5:24,498,519, T>C on the plus strand (A>G on the coding strand, the complement: CDH10 is on the minus strand). VCF-style: chr5-24498519-T-C. GRCh37 (hg19) VCF-style: chr5-24498628-T-C.
Other names: c.-389A>G (NM_001317222.2); c.1394A>G, p.Asn465Ser (NM_001317224.2, NM_001362460.1); short protein forms N465S.
Identifiers: ClinVar variation 1050263 (VCV001050263.1), dbSNP rs200673315, ClinGen allele CA3215498.

ClinVar aggregate classification (germline): Uncertain significance (0 of 4 stars; one submission).

Allele frequency attached by ClinVar (database versions not stated): gnomAD exomes 0.00001 and 0.00002; ExAC 0.00002; gnomAD 0.00005 and 0.00006; TOPMed 0.00011; 1000 Genomes Project 0.00060; 1000 Genomes Project 30x 0.00062.
gnomAD v4.1: 32 of 1,597,940 alleles (0.002%); highest among the groups gnomAD compares: South Asian, 0.013%; no homozygotes.

Submission:

Department of Pathology and Laboratory Medicine, Sinai Health System
Classification: Uncertain significance. Review status: no assertion criteria provided. Collection method: clinical testing. Allele origin: unknown. Affected: yes. Study: The Canadian Open Genetics Repository (COGR).
Comment: The CDH10 p.N465S variant was not identified in the literature nor was it identified in ClinVar. The variant was identified in dbSNP (ID: rs200673315) and in control databases in 5 of 245638 chromosomes at a frequency of 0.00002036 (Genome Aggregation Database March 6, 2019, v2.1.1). The p.N465 residue is conserved in mammals however computational analyses (MUT Assesor, PolyPhen-2, SIFT, MutationTaster, Revel, FATHMM, MetaLR, DANN) do not suggest a high likelihood of impact to the protein; this information is not very predictive of pathogenicity. The variant occurs outside of the splicing consensus sequence and in silico or computational prediction software programs (Splice AI exome, dbscSNV Ada, RF) do not predict a difference in splicing. In summary, based on the above information the clinical significance of this variant cannot be determined with certainty at this time. This variant is classified as a variant of uncertain significance.